The following is an entry in ClinVar:

NM_022124.6(CDH23):c.67+1G>C

Gene: CDH23 (cadherin related 23; plus strand). Cytogenetic location: 10q22.1.
Variant type: single nucleotide variant.
Coding change: c.67+1G>C on transcript NM_022124.6 (MANE Select); the canonical splice donor site of the intron after coding-DNA position 67, G replaced by C.
Molecular consequence: splice donor variant.
Genome position (GRCh38, 1-based): chr10:71,439,899, G>C. VCF-style: chr10-71439899-G-C. GRCh37 (hg19) VCF-style: chr10-73199656-G-C.
Other names: c.67+1G>C (NM_001171930.2, NM_001171931.2, NM_052836.4 and 1 more transcripts).
Identifiers: ClinVar variation 4734970 (VCV004734970.1).

ClinVar aggregate classification (germline): Likely pathogenic (1 of 4 stars; one submission).

gnomAD v4.1: 1 of 1,570,150 alleles (0.000064%); highest among the groups gnomAD compares: Non-Finnish European, 0.000086%; no homozygotes.

Submission:

Labcorp Genetics (formerly Invitae), Labcorp
Classification: Likely pathogenic. Last evaluated: 2026-01-09. Review status: criteria provided, single submitter. Criteria: Invitae Variant Classification Sherloc (09022015). Collection method: clinical testing. Allele origin: germline.
Comment: This sequence change affects a donor splice site in intron 2 of the CDH23 gene. It is expected to disrupt RNA splicing. Variants that disrupt the donor or acceptor splice site typically lead to a loss of protein function (PMID: 16199547), and loss-of-function variants in CDH23 are known to be pathogenic (PMID: 11138009, 21940737). This variant is not present in population databases (gnomAD no frequency). Disruption of this splice site has been observed in individual(s) with deafness (PMID: 37217689). Algorithms developed to predict the effect of sequence changes on RNA splicing suggest that this variant may disrupt the consensus splice site. In summary, the currently available evidence indicates that the variant is pathogenic, but additional data are needed to prove that conclusively. Therefore, this variant has been classified as Likely Pathogenic.

Literature cited by the submitters: PubMed 16199547; PubMed 11138009; PubMed 21940737; PubMed 37217689.